The following is an entry in ClinVar:

ClinVar aggregate classification (germline): Uncertain significance (1 of 4 stars; one submission).

Allele frequency attached by ClinVar (database versions not stated): ExAC 0.00001; gnomAD exomes 0.00001; TOPMed 0.00002; gnomAD 0.00003; ESP Exome Variant Server 0.00008.
gnomAD v4.1: 23 of 1,614,000 alleles (0.0014%); highest among the groups gnomAD compares: Non-Finnish European, 0.0017%; no homozygotes.

Submission:

Labcorp Genetics (formerly Invitae), Labcorp
Classification: Uncertain significance. Last evaluated: 2023-06-19. Review status: criteria provided, single submitter. Criteria: Invitae Variant Classification Sherloc (09022015). Collection method: clinical testing. Allele origin: germline.
Comment: This sequence change replaces cysteine, which is neutral and slightly polar, with tyrosine, which is neutral and polar, at codon 372 of the VAC14 protein (p.Cys372Tyr). This variant is present in population databases (rs375392248, gnomAD 0.002%). This variant has not been reported in the literature in individuals affected with VAC14-related conditions. Advanced modeling of protein sequence and biophysical properties (such as structural, functional, and spatial information, amino acid conservation, physicochemical variation, residue mobility, and thermodynamic stability) performed at Invitae indicates that this missense variant is not expected to disrupt VAC14 protein function. In summary, the available evidence is currently insufficient to determine the role of this variant in disease. Therefore, it has been classified as a Variant of Uncertain Significance.

NM_018052.5(VAC14):c.1115G>A (p.Cys372Tyr)

Genes: VAC14 (VAC14 component of PIKFYVE complex; minus strand), VAC14-AS1 (VAC14 antisense RNA 1; plus strand). Cytogenetic location: 16q22.1.
Variant type: single nucleotide variant.
Coding change: c.1115G>A on transcript NM_018052.5 (MANE Select); coding-DNA position 1115, G replaced by A.
Protein change: p.Cys372Tyr; replaces cysteine 372 with tyrosine.
Molecular consequence: missense variant. On other transcripts: non-coding transcript variant (1).
Genome position (GRCh38, 1-based): chr16:70,772,154, C>T on the plus strand (G>A on the coding strand, the complement: VAC14 is on the minus strand). VCF-style: chr16-70772154-C-T. GRCh37 (hg19) VCF-style: chr16-70806057-C-T.
Other names: c.413G>A, p.Cys138Tyr (NM_001351157.2); short protein forms C372Y, C138Y.
Identifiers: ClinVar variation 2977637 (VCV002977637.2), dbSNP rs375392248, ClinGen allele CA8147828.